The following is an entry in ClinVar:

ClinVar aggregate classification (germline): Pathogenic/Likely pathogenic. Review status: criteria provided, multiple submitters, no conflicts (2 of 4 stars). 4 submissions from 4 submitters: Pathogenic (1); Likely pathogenic (2). 1 of the submissions does not count toward it. Last evaluated 2024-06-17.

Conditions:
Inborn genetic diseases. Identifiers: MedGen C0950123, MeSH D030342.
Desbuquois dysplasia 1 (DBQD1). Also called: MICROMELIC DWARFISM WITH VERTEBRAL AND METAPHYSEAL ABNORMALITIES AND ADVANCED CARPOTARSAL OSSIFICATION; DESBUQUOIS DYSPLASIA 1, KIM VARIANT. Identifiers: Orphanet 1425, MedGen C4012146, MONDO:0009629, OMIM 251450.
Epiphyseal dysplasia, multiple, 7. Identifiers: Orphanet 647676, MedGen C4540251, MONDO:0054680, OMIM 617719.

Allele frequency attached by ClinVar (database versions not stated): gnomAD 0.00001; gnomAD exomes 0.00001 and 0.00002; TOPMed 0.00001; ExAC 0.00004.
gnomAD v4.1: 21 of 1,597,814 alleles (0.0013%); highest among the groups gnomAD compares: Middle Eastern, 0.017%; no homozygotes.

Submissions (4):

Labcorp Genetics (formerly Invitae), Labcorp
Classification: Likely pathogenic. Last evaluated: 2024-06-17. Review status: criteria provided, single submitter. Criteria: Invitae Variant Classification Sherloc (09022015). Collection method: clinical testing. Allele origin: germline.
Comment: This sequence change replaces arginine, which is basic and polar, with cysteine, which is neutral and slightly polar, at codon 300 of the CANT1 protein (p.Arg300Cys). This variant is present in population databases (rs267606701, gnomAD 0.006%). This missense change has been observed in individuals with Desbuquois dysplasia (PMID: 19853239). ClinVar contains an entry for this variant (Variation ID: 279). Advanced modeling of protein sequence and biophysical properties (such as structural, functional, and spatial information, amino acid conservation, physicochemical variation, residue mobility, and thermodynamic stability) performed at Invitae indicates that this missense variant is expected to disrupt CANT1 protein function with a positive predictive value of 80%. Experimental studies have shown that this missense change affects CANT1 function (PMID: 19853239, 21037275). This variant disrupts the p.Arg300 amino acid residue in CANT1. Other variant(s) that disrupt this residue have been determined to be pathogenic (PMID: 19853239, 22539336). This suggests that this residue is clinically significant, and that variants that disrupt this residue are likely to be disease-causing. In summary, the currently available evidence indicates that the variant is pathogenic, but additional data are needed to prove that conclusively. Therefore, this variant has been classified as Likely Pathogenic.

Ambry Genetics
Classification: Pathogenic for Inborn genetic diseases. Last evaluated: 2017-07-14. Review status: criteria provided, single submitter. Criteria: Ambry exome assertion method (8-5-2015). Collection method: clinical testing. Allele origin: germline. Affected: yes. Observed: 1 variant allele.

Juno Genomics, Hangzhou Juno Genomics, Inc
Classification: Likely pathogenic for Desbuquois dysplasia 1; Epiphyseal dysplasia, multiple, 7. Review status: criteria provided, single submitter. Criteria: ACMG Guidelines, 2015. Collection method: clinical testing. Allele origin: germline.
Comment: Absent from controls (or at extremely low frequency if recessive) in Genome Aggregation Database.;Multiple lines of computational evidence support a deleterious effect on the gene or gene product.;For recessive disorders, detected in trans with a pathogenic variant.

OMIM
Classification: Pathogenic for DESBUQUOIS DYSPLASIA 1. Last evaluated: 2009-11-01. Review status: no assertion criteria provided. Collection method: literature only. Allele origin: germline. Not counted in ClinVar's aggregate classification.

Literature cited by the submitters: PubMed 19853239 (cited by 3 submitters); PubMed 21037275 (cited by Labcorp Genetics (formerly Invitae), Labcorp); PubMed 22539336 (cited by Labcorp Genetics (formerly Invitae), Labcorp).

NM_001159773.2(CANT1):c.898C>T (p.Arg300Cys)

Gene: CANT1 (calcium activated nucleotidase 1; minus strand). Cytogenetic location: 17q25.3.
Variant type: single nucleotide variant.
Coding change: c.898C>T on transcript NM_001159773.2 (MANE Select); coding-DNA position 898, C replaced by T.
Protein change: p.Arg300Cys; replaces arginine 300 with cysteine.
Molecular consequence: missense variant.
Genome position (GRCh38, 1-based): chr17:78,993,858, G>A on the plus strand (C>T on the coding strand, the complement: CANT1 is on the minus strand). VCF-style: chr17-78993858-G-A. GRCh37 (hg19) VCF-style: chr17-76989940-G-A.
Other names: c.898C>T, p.Arg300Cys (NM_001159772.2, NM_138793.4); short protein forms R300C.
Identifiers: ClinVar variation 279 (VCV000000279.10), dbSNP rs267606701, ClinGen allele CA114109.